The following is an entry in ClinVar:

ClinVar aggregate classification (germline): Conflicting classifications of pathogenicity. Review status: criteria provided, conflicting classifications (1 of 4 stars). 5 submissions from 5 submitters: Uncertain significance (2); Benign (2); Likely benign (1). Last evaluated 2025-10-01.

Conditions:
Maturity-onset diabetes of the young (MODY). Also called: Maturity onset diabetes mellitus in young. Identifiers: Orphanet 552, MedGen C0342276, MONDO:0018911, HP:0004904.
Maturity-onset diabetes of the young type 3. Also called: MODY type 3; MODY, type III. Identifiers: Orphanet 552, MedGen C1838100, MeSH C563933, MONDO:0010894, OMIM 600496. Disease mechanism: loss of function.

Allele frequency attached by ClinVar (database versions not stated): ESP Exome Variant Server 0.00023; gnomAD 0.00023 and 0.00024; gnomAD exomes 0.00027 and 0.00037; TOPMed 0.00027; ExAC 0.00033.
gnomAD v4.1: 580 of 1,614,072 alleles (0.036%); highest among the groups gnomAD compares: Non-Finnish European, 0.045%; 1 homozygote.

Submissions (5):

Labcorp Genetics (formerly Invitae), Labcorp
Classification: Benign. Last evaluated: 2025-10-01. Review status: criteria provided, single submitter. Criteria: Invitae Variant Classification Sherloc (09022015). Collection method: clinical testing. Allele origin: germline.

Women's Health and Genetics/Laboratory Corporation of America, LabCorp
Classification: Benign. Last evaluated: 2023-06-28. Review status: criteria provided, single submitter. Criteria: LabCorp Variant Classification Summary - May 2015. Collection method: clinical testing. Allele origin: germline.
Comment: Variant summary: HNF1A c.586A>G (p.Thr196Ala) results in a non-conservative amino acid change in the encoded protein sequence. Three of four in-silico tools predict a damaging effect of the variant on protein function. The variant allele was found at a frequency of 0.00027 in 251986 control chromosomes (gnomAD, Bellanne-Chantelot_2008), predominantly at a frequency of 0.00052 within the Non-Finnish European subpopulation in the gnomAD database. The observed variant frequency within Non-Finnish European control individuals in the gnomAD database is approximately 21 fold of the estimated maximal expected allele frequency for a pathogenic variant in HNF1A causing Maturity Onset Diabetes Of The Young 3 (2.5e-05), strongly suggesting that the variant is a benign polymorphism found primarily in populations of Non-Finnish European origin. c.586A>G has been reported in the literature in individuals affected with Maturity Onset Diabetes Of The Young 3 (e.g. Bellanne-Chantelot_2008, Bowden_2008, Galan_2011). In at least one observed family, the variant did not segregate with disease: one affected sibling carried the variant and one affected sibling carried the reference allele (Galan_2011). These data do not allow any conclusion about variant significance. Experimental evidence evaluating nuclear translocation and transcription activation show the variant had no damaging effects (e.g. Galan_2011, Najmi_2017). The following publications have been ascertained in the context of this evaluation (PMID: 18003757, 18221440, 21170474, 27899486). Four ClinVar submitters have assessed the variant since 2014: three classified the variant as uncertain significance and one as likely benign. Based on the evidence outlined above, the variant was classified as benign.

Ambry Genetics
Classification: Likely benign for Maturity-onset diabetes of the young. Last evaluated: 2017-09-28. Review status: criteria provided, single submitter. Criteria: Ambry Variant Classification Scheme 2023. Collection method: clinical testing. Allele origin: germline.

Illumina Laboratory Services, Illumina
Classification: Uncertain significance for Maturity-onset diabetes of the young type 3. Last evaluated: 2017-04-27. Review status: criteria provided, single submitter. Criteria: ICSL Variant Classification Criteria 13 December 2019. Collection method: clinical testing. Allele origin: germline.
Comment: This variant was observed as part of a predisposition screen in an ostensibly healthy population. A literature search was performed for the gene, cDNA change, and amino acid change (where applicable). Publications were found based on this search. However, the evidence from the literature, in combination with allele frequency data from public databases where available, was not sufficient to rule this variant in or out of causing disease. Therefore, this variant is classified as a variant of unknown significance.

Genetic Services Laboratory, University of Chicago
Classification: Uncertain significance. Last evaluated: 2017-01-26. Review status: criteria provided, single submitter. Criteria: ACMG Guidelines, 2015. Collection method: clinical testing. Allele origin: germline. Affected: no.

Literature cited by the submitters: PubMed 18003757 (cited by 3 submitters); PubMed 18221440 (cited by 3 submitters); PubMed 21170474 (cited by 3 submitters); PubMed 27899486 (cited by Women's Health and Genetics/Laboratory Corporation of America, LabCorp and Ambry Genetics); PubMed 23348805 (cited by Ambry Genetics); PubMed 24097065 (cited by Ambry Genetics); PubMed 25306193 (cited by Ambry Genetics and Illumina Laboratory Services, Illumina); PubMed 12574234 (cited by Illumina Laboratory Services, Illumina).

NM_000545.8(HNF1A):c.586A>G (p.Thr196Ala)

Gene: HNF1A (HNF1 homeobox A; plus strand). Cytogenetic location: 12q24.31.
Variant type: single nucleotide variant.
Coding change: c.586A>G on transcript NM_000545.8 (MANE Select); coding-DNA position 586, A replaced by G.
Protein change: p.Thr196Ala; replaces threonine 196 with alanine.
Molecular consequence: missense variant.
Genome position (GRCh38, 1-based): chr12:120,993,579, A>G. VCF-style: chr12-120993579-A-G. GRCh37 (hg19) VCF-style: chr12-121431382-A-G.
Other names: c.586A>G (NM_000545.6); c.586A>G, p.Thr196Ala (NM_001306179.2); short protein forms T196A.
Identifiers: ClinVar variation 435423 (VCV000435423.16), dbSNP rs139712739, ClinGen allele CA6831786.
Genomic context (GRCh38, chr12:120,993,579, plus strand): 5'-GAGTTCACCCATGCAGGGCAGGGAGGGCTGATTGAAGAGCCCACAGGTGATGAGCTACCA[A>G]CCAAGAAGGGGCGGAGGAACCGTTTCAAGTGGGGCCCAGCATCCCAGCAGATCCTGTTCC-3'
Protein context (NP_000536.6, residues 186-206): IEEPTGDELP[Thr196Ala]KKGRRNRFKW